The following is an entry in ClinVar:

ClinVar aggregate classification (germline): Likely benign (0 of 4 stars; one submission).

Conditions:
NCAPH-related disorder. Also called: NCAPH-related condition.

Allele frequency attached by ClinVar (database versions not stated): TOPMed 0.00007; gnomAD 0.00025; gnomAD exomes 0.00042; ExAC 0.00093; 1000 Genomes Project 30x 0.00109; 1000 Genomes Project 0.00120.
gnomAD v4.1: 650 of 1,614,034 alleles (0.04%); highest among the groups gnomAD compares: South Asian, 0.58%; 5 homozygotes.

Submission:

PreventionGenetics, part of Exact Sciences
Classification: Likely benign for NCAPH-related condition. Last evaluated: 2020-08-25. Review status: no assertion criteria provided. Collection method: clinical testing. Allele origin: germline.
Comment: This variant is classified as likely benign based on ACMG/AMP sequence variant interpretation guidelines (Richards et al. 2015 PMID: 25741868, with internal and published modifications).

NM_015341.5(NCAPH):c.1018G>A (p.Val340Ile)

Gene: NCAPH (non-SMC condensin I complex subunit H; plus strand). Cytogenetic location: 2q11.2.
Variant type: single nucleotide variant.
Coding change: c.1018G>A on transcript NM_015341.5 (MANE Select); coding-DNA position 1018, G replaced by A.
Protein change: p.Val340Ile; replaces valine 340 with isoleucine.
Molecular consequence: missense variant.
Genome position (GRCh38, 1-based): chr2:96,354,198, G>A. VCF-style: chr2-96354198-G-A. GRCh37 (hg19) VCF-style: chr2-97019936-G-A.
Other names: c.985G>A, p.Val329Ile (NM_001281710.2); c.946G>A, p.Val316Ile (NM_001281711.2); c.610G>A, p.Val204Ile (NM_001281712.2); short protein forms V204I, V316I, V329I, V340I.
Identifiers: ClinVar variation 3045660 (VCV003045660.2), dbSNP rs536560583, ClinGen allele CA1780008.